The following is an entry in ClinVar:

ClinVar aggregate classification (germline): Uncertain significance. Review status: criteria provided, multiple submitters, no conflicts (2 of 4 stars). 2 submissions from 2 submitters: Uncertain significance (2). Last evaluated 2025-08-29.

Allele frequency attached by ClinVar (database versions not stated): ExAC 0.00002; gnomAD 0.00003; TOPMed 0.00003; ESP Exome Variant Server 0.00031.
gnomAD v4.1: 216 of 1,607,664 alleles (0.013%); highest among the groups gnomAD compares: Non-Finnish European, 0.018%; no homozygotes.

Submissions (2):

Ambry Genetics
Classification: Uncertain significance. Last evaluated: 2025-08-29. Review status: criteria provided, single submitter. Criteria: Ambry Variant Classification Scheme 2023. Collection method: clinical testing. Allele origin: germline.

Labcorp Genetics (formerly Invitae), Labcorp
Classification: Uncertain significance. Last evaluated: 2023-10-03. Review status: criteria provided, single submitter. Criteria: Invitae Variant Classification Sherloc (09022015). Collection method: clinical testing. Allele origin: germline.
Comment: This sequence change replaces aspartic acid, which is acidic and polar, with asparagine, which is neutral and polar, at codon 272 of the EIF2AK1 protein (p.Asp272Asn). This variant is present in population databases (rs148186626, gnomAD 0.008%). This variant has not been reported in the literature in individuals affected with EIF2AK1-related conditions. ClinVar contains an entry for this variant (Variation ID: 2411529). Algorithms developed to predict the effect of missense changes on protein structure and function output the following: SIFT: "Not Available"; PolyPhen-2: "Benign"; Align-GVGD: "Not Available". The asparagine amino acid residue is found in multiple mammalian species, which suggests that this missense change does not adversely affect protein function. In summary, the available evidence is currently insufficient to determine the role of this variant in disease. Therefore, it has been classified as a Variant of Uncertain Significance.

NM_014413.4(EIF2AK1):c.814G>A (p.Asp272Asn)

Gene: EIF2AK1 (eukaryotic translation initiation factor 2 alpha kinase 1; minus strand). Cytogenetic location: 7p22.1.
Variant type: single nucleotide variant.
Coding change: c.814G>A on transcript NM_014413.4 (MANE Select); coding-DNA position 814, G replaced by A.
Protein change: p.Asp272Asn; replaces aspartic acid 272 with asparagine.
Molecular consequence: missense variant.
Genome position (GRCh38, 1-based): chr7:6,041,197, C>T on the plus strand (G>A on the coding strand, the complement: EIF2AK1 is on the minus strand). VCF-style: chr7-6041197-C-T. GRCh37 (hg19) VCF-style: chr7-6080828-C-T.
Other names: c.811G>A, p.Asp271Asn (NM_001134335.2); short protein forms D271N, D272N.
Identifiers: ClinVar variation 2411529 (VCV002411529.6), dbSNP rs148186626, ClinGen allele CA4151028.